The following is an entry in ClinVar:

ClinVar aggregate classification (germline): Uncertain significance (1 of 4 stars; one submission).

Allele frequency attached by ClinVar (database versions not stated): gnomAD exomes below 0.00001; gnomAD 0.00001; TOPMed 0.00001.

Submission:

Labcorp Genetics (formerly Invitae), Labcorp
Classification: Uncertain significance. Last evaluated: 2022-03-17. Review status: criteria provided, single submitter. Criteria: Invitae Variant Classification Sherloc (09022015). Collection method: clinical testing. Allele origin: germline.
Comment: Algorithms developed to predict the effect of missense changes on protein structure and function are either unavailable or do not agree on the potential impact of this missense change (SIFT: "Deleterious"; PolyPhen-2: "Possibly Damaging"; Align-GVGD: "Class C15"). In summary, the available evidence is currently insufficient to determine the role of this variant in disease. Therefore, it has been classified as a Variant of Uncertain Significance. ClinVar contains an entry for this variant (Variation ID: 936732). This variant has not been reported in the literature in individuals affected with PCARE-related conditions. This variant is present in population databases (no rsID available, gnomAD 0.01%). This sequence change replaces serine, which is neutral and polar, with tyrosine, which is neutral and polar, at codon 193 of the PCARE protein (p.Ser193Tyr).

NM_001029883.3(PCARE):c.578C>A (p.Ser193Tyr)

Gene: PCARE (photoreceptor cilium actin regulator; minus strand). Cytogenetic location: 2p23.2.
Variant type: single nucleotide variant.
Coding change: c.578C>A on transcript NM_001029883.3 (MANE Select); coding-DNA position 578, C replaced by A.
Protein change: p.Ser193Tyr; replaces serine 193 with tyrosine.
Molecular consequence: missense variant.
Genome position (GRCh38, 1-based): chr2:29,073,684, G>T on the plus strand (C>A on the coding strand, the complement: PCARE is on the minus strand). VCF-style: chr2-29073684-G-T. GRCh37 (hg19) VCF-style: chr2-29296550-G-T.
Other names: short protein forms S193Y.
Identifiers: ClinVar variation 936732 (VCV000936732.9), dbSNP rs897278443, ClinGen allele CA44643897.